The following is an entry in ClinVar:

ClinVar aggregate classification (germline): Uncertain significance. Review status: criteria provided, multiple submitters, no conflicts (2 of 4 stars). 2 submissions from 2 submitters: Uncertain significance (2). Last evaluated 2025-04-11.

Conditions:
Cardiovascular phenotype. Identifiers: MedGen CN230736.

Allele frequency attached by ClinVar (database versions not stated): gnomAD 0.00001; gnomAD exomes 0.00002.
gnomAD v4.1: 25 of 1,613,220 alleles (0.0015%); highest among the groups gnomAD compares: Non-Finnish European, 0.002%; no homozygotes.

Submissions (2):

Labcorp Genetics (formerly Invitae), Labcorp
Classification: Uncertain significance. Last evaluated: 2025-04-11. Review status: criteria provided, single submitter. Criteria: Invitae Variant Classification Sherloc (09022015). Collection method: clinical testing. Allele origin: germline.
Comment: This sequence change replaces glutamic acid, which is acidic and polar, with alanine, which is neutral and non-polar, at codon 443 of the ALPK3 protein (p.Glu443Ala). This variant is present in population databases (no rsID available, gnomAD 0.0009%). This variant has not been reported in the literature in individuals affected with ALPK3-related conditions. ClinVar contains an entry for this variant (Variation ID: 1770048). Invitae Evidence Modeling of protein sequence and biophysical properties (such as structural, functional, and spatial information, amino acid conservation, physicochemical variation, residue mobility, and thermodynamic stability) indicates that this missense variant is expected to disrupt ALPK3 protein function with a positive predictive value of 80%. In summary, the available evidence is currently insufficient to determine the role of this variant in disease. Therefore, it has been classified as a Variant of Uncertain Significance.

Ambry Genetics
Classification: Uncertain significance for Cardiovascular phenotype. Last evaluated: 2019-08-14. Review status: criteria provided, single submitter. Criteria: Ambry Variant Classification Scheme 2023. Collection method: clinical testing. Allele origin: germline.
Comment: The p.E443A variant (also known as c.1328A>C), located in coding exon 5 of the ALPK3 gene, results from an A to C substitution at nucleotide position 1328. The glutamic acid at codon 443 is replaced by alanine, an amino acid with dissimilar properties. This amino acid position is not well conserved in available vertebrate species. In addition, this alteration is predicted to be tolerated by in silico analysis. Since supporting evidence is limited at this time, the clinical significance of this alteration remains unclear.

NM_020778.5(ALPK3):c.722A>C (p.Glu241Ala)

Gene: ALPK3 (alpha kinase 3; plus strand). Cytogenetic location: 15q25.3.
Variant type: single nucleotide variant.
Coding change: c.722A>C on transcript NM_020778.5 (MANE Select); coding-DNA position 722, A replaced by C.
Protein change: p.Glu241Ala; replaces glutamic acid 241 with alanine.
Molecular consequence: missense variant.
Genome position (GRCh38, 1-based): chr15:84,840,001, A>C. VCF-style: chr15-84840001-A-C. GRCh37 (hg19) VCF-style: chr15-85383232-A-C.
Other names: short protein forms E241A.
Identifiers: ClinVar variation 1770048 (VCV001770048.7), dbSNP rs1383632878, ClinGen allele CA393373370.